The following is an entry in ClinVar:

NM_002334.4(LRP4):c.923-14dup

Gene: LRP4 (LDL receptor related protein 4; minus strand). Cytogenetic location: 11p11.2.
Variant type: Duplication.
Coding change: c.923-14dup on transcript NM_002334.4 (MANE Select); 14 bases into the intron before coding-DNA position 923, one base duplicated (C; older notation c.923-14dupC).
Molecular consequence: intron variant.
Genome position (GRCh38, 1-based): chr11:46,896,349, G duplicated on the plus strand (C on the coding strand, the reverse complement: LRP4 is on the minus strand); the first of 3 consecutive G bases (chr11:46,896,349-46,896,351); duplicating any one gives the same sequence. VCF-style (leftmost placement, unchanged base first): chr11-46896348-A-AG. GRCh37 (hg19) VCF-style: chr11-46917899-A-AG.
Other names: c.923-14dupC (NM_002334.4).
Identifiers: ClinVar variation 3902536 (VCV003902536.1).

ClinVar aggregate classification (germline): Likely benign (1 of 4 stars; one submission).

Submission:

Women's Health and Genetics/Laboratory Corporation of America, LabCorp
Classification: Likely benign. Last evaluated: 2025-05-05. Review status: criteria provided, single submitter. Criteria: LabCorp Variant Classification Summary - May 2015. Collection method: clinical testing. Allele origin: germline.
Comment: Variant summary: LRP4 c.923-14dupC alters a non-conserved nucleotide located at a position not widely known to affect splicing. Consensus agreement among computation tools predict no significant impact on normal splicing. However, these predictions have yet to be confirmed by functional studies. The variant was absent in 249970 control chromosomes. The available data on variant occurrences in the general population are insufficient to allow any conclusion about variant significance. To our knowledge, no occurrence of c.923-14dupC in individuals affected with LRP4-Related Disorders and no experimental evidence demonstrating its impact on protein function have been reported. No submitters have cited clinical-significance assessments for this variant to ClinVar. Based on the evidence outlined above, the variant was classified as likely benign.